The following is an entry in ClinVar:

ClinVar aggregate classification (germline): Likely pathogenic (1 of 4 stars; one submission).

Submission:

GeneDx
Classification: Likely pathogenic. Last evaluated: 2016-02-02. Review status: criteria provided, single submitter. Criteria: GeneDx Variant Classification (06012015). Collection method: clinical testing. Allele origin: germline. Affected: yes.
Comment: A novel C1354S variant that is likely pathogenic has been identified in the SCN1A gene. The C1354S variant has not been published as a pathogenic variant, nor has it been reported as a benign variant to our knowledge. It was not observed in approximately 6,500 individuals of European and African American ancestry in the NHLBI Exome Sequencing Project, indicating it is not a common benign variant in these populations. The C1354S variant is a non-conservative amino acid substitution, which is likely to impact secondary protein structure as these residues differ in polarity, charge, size, and/or other properties. This substitution alters a conserved position predicted to be within transmembrane segment S5 in the third homologous domain of the SCN1A protein. Additionally, multiple missense variants in nearby residues have been reported in the Human Gene Mutation Database in association with SCN1A-related disorders (Stenson et al., 2014), supporting the functional importance of this region of the protein. In silico analysis is inconsistent in its predictions as to whether or not the variant is damaging to the protein structure/function. Therefore, this variant is likely pathogenic; however, the possibility that it is benign cannot be excluded.

NM_001165963.4(SCN1A):c.4061G>C (p.Cys1354Ser)

Genes: SCN1A (sodium voltage-gated channel alpha subunit 1; minus strand), LOC102724058 (uncharacterized LOC102724058; plus strand). Cytogenetic location: 2q24.3.
Variant type: single nucleotide variant.
Coding change: c.4061G>C on transcript NM_001165963.4 (MANE Select); coding-DNA position 4061, G replaced by C.
Protein change: p.Cys1354Ser; replaces cysteine 1354 with serine.
Molecular consequence: missense variant. On other transcripts: non-coding transcript variant (1).
Genome position (GRCh38, 1-based): chr2:166,002,695, C>G on the plus strand (G>C on the coding strand, the complement: SCN1A is on the minus strand). VCF-style: chr2-166002695-C-G. GRCh37 (hg19) VCF-style: chr2-166859205-C-G.
Other names: c.3977G>C, p.Cys1326Ser (NM_001165964.3, NM_001353957.2, NM_001353958.2); c.4061G>C, p.Cys1354Ser (NM_001202435.3, NM_001353948.2); c.4028G>C, p.Cys1343Ser (NM_001353949.2, NM_001353950.2, NM_001353951.2 and 2 more transcripts); c.4025G>C, p.Cys1342Ser (NM_001353954.2, NM_001353955.2); c.3974G>C, p.Cys1325Ser (NM_001353960.2); c.1619G>C, p.Cys540Ser (NM_001353961.2); short protein forms C1343S, C1354S, C1326S, C1342S, C1325S, C540S.
Identifiers: ClinVar variation 383166 (VCV000383166.2), dbSNP rs1057521537, ClinGen allele CA16603838.